The following is an entry in ClinVar:

ClinVar aggregate classification (germline): Likely benign (1 of 4 stars; one submission).

gnomAD v4.1: 3 of 1,614,036 alleles (0.00019%); highest among the groups gnomAD compares: Admixed American, 0.0033%; no homozygotes.

Submission:

CeGaT Center for Human Genetics Tuebingen
Classification: Likely benign. Last evaluated: 2026-07-01. Review status: criteria provided, single submitter. Criteria: CeGaT Center For Human Genetics Tuebingen Variant Classification Criteria Version 2. Collection method: clinical testing. Allele origin: germline. Affected: yes. Observed: 1 variant allele.
Comment: NOP56: BP4, BP7

NM_006392.4(NOP56):c.1044T>C (p.Tyr348=)

Gene: NOP56 (NOP56 ribonucleoprotein; plus strand). Cytogenetic location: 20p13.
Variant type: single nucleotide variant.
Coding change: c.1044T>C on transcript NM_006392.4 (MANE Select); coding-DNA position 1044, T replaced by C.
Protein change: p.Tyr348=; no amino-acid change (tyrosine 348 retained).
Molecular consequence: synonymous variant. On other transcripts: non-coding transcript variant (2).
Genome position (GRCh38, 1-based): chr20:2,656,434, T>C. VCF-style: chr20-2656434-T-C. GRCh37 (hg19) VCF-style: chr20-2637080-T-C.
Identifiers: ClinVar variation 5039201 (VCV005039201.1).